The following is an entry in ClinVar:

NM_145064.3(STAC3):c.445C>T (p.His149Tyr)

Gene: STAC3 (SH3 and cysteine rich domain 3; minus strand). Cytogenetic location: 12q13.3.
Variant type: single nucleotide variant.
Coding change: c.445C>T on transcript NM_145064.3 (MANE Select); coding-DNA position 445, C replaced by T.
Protein change: p.His149Tyr; replaces histidine 149 with tyrosine.
Molecular consequence: missense variant. On other transcripts: 5 prime UTR variant (1), non-coding transcript variant (1).
Genome position (GRCh38, 1-based): chr12:57,248,186, G>A on the plus strand (C>T on the coding strand, the complement: STAC3 is on the minus strand). VCF-style: chr12-57248186-G-A. GRCh37 (hg19) VCF-style: chr12-57641969-G-A.
Other names: c.328C>T, p.His110Tyr (NM_001286256.2); c.-114C>T (NM_001286257.2); short protein forms H149Y, H110Y.
Identifiers: ClinVar variation 2080308 (VCV002080308.4), dbSNP rs2548119896, ClinGen allele CA385415503.

ClinVar aggregate classification (germline): Uncertain significance (1 of 4 stars; one submission).

Conditions:
Bailey-Bloch congenital myopathy (CMYO13). Also called: Native American myopathy; STAC3 disorder; Congenital myopathy 13. Identifiers: Orphanet 168572, MedGen C1850625, MONDO:0009722, OMIM 255995.

Submission:

Labcorp Genetics (formerly Invitae), Labcorp
Classification: Uncertain significance for Bailey-Bloch congenital myopathy. Last evaluated: 2022-06-25. Review status: criteria provided, single submitter. Criteria: Invitae Variant Classification Sherloc (09022015). Collection method: clinical testing. Allele origin: germline.
Comment: This sequence change replaces histidine, which is basic and polar, with tyrosine, which is neutral and polar, at codon 149 of the STAC3 protein (p.His149Tyr). In summary, the available evidence is currently insufficient to determine the role of this variant in disease. Therefore, it has been classified as a Variant of Uncertain Significance. Algorithms developed to predict the effect of missense changes on protein structure and function are either unavailable or do not agree on the potential impact of this missense change (SIFT: "Deleterious"; PolyPhen-2: "Benign"; Align-GVGD: "Class C0"). This variant has not been reported in the literature in individuals affected with STAC3-related conditions. This variant is not present in population databases (gnomAD no frequency).